The following is an entry in ClinVar:

ClinVar aggregate classification (germline): Uncertain significance (1 of 4 stars; one submission).

Conditions:
Bailey-Bloch congenital myopathy (CMYO13). Also called: Congenital myopathy 13; Native American myopathy; STAC3 disorder. Identifiers: Orphanet 168572, MedGen C1850625, MONDO:0009722, OMIM 255995.

Submission:

Labcorp Genetics (formerly Invitae), Labcorp
Classification: Uncertain significance for Bailey-Bloch congenital myopathy. Last evaluated: 2022-06-30. Review status: criteria provided, single submitter. Criteria: Invitae Variant Classification Sherloc (09022015). Collection method: clinical testing. Allele origin: germline.
Comment: ClinVar contains an entry for this variant (Variation ID: 1352442). In summary, the available evidence is currently insufficient to determine the role of this variant in disease. Therefore, it has been classified as a Variant of Uncertain Significance. Algorithms developed to predict the effect of missense changes on protein structure and function are either unavailable or do not agree on the potential impact of this missense change (SIFT: "Deleterious"; PolyPhen-2: "Probably Damaging"; Align-GVGD: "Class C15"). This variant has not been reported in the literature in individuals affected with STAC3-related conditions. This variant is not present in population databases (gnomAD no frequency). This sequence change replaces isoleucine, which is neutral and non-polar, with phenylalanine, which is neutral and non-polar, at codon 302 of the STAC3 protein (p.Ile302Phe).

NM_145064.3(STAC3):c.904A>T (p.Ile302Phe)

Gene: STAC3 (SH3 and cysteine rich domain 3; minus strand). Cytogenetic location: 12q13.3.
Variant type: single nucleotide variant.
Coding change: c.904A>T on transcript NM_145064.3 (MANE Select); coding-DNA position 904, A replaced by T.
Protein change: p.Ile302Phe; replaces isoleucine 302 with phenylalanine.
Molecular consequence: missense variant. On other transcripts: non-coding transcript variant (1).
Genome position (GRCh38, 1-based): chr12:57,244,180, T>A on the plus strand (A>T on the coding strand, the complement: STAC3 is on the minus strand). VCF-style: chr12-57244180-T-A. GRCh37 (hg19) VCF-style: chr12-57637963-T-A.
Other names: c.787A>T, p.Ile263Phe (NM_001286256.2); c.346A>T, p.Ile116Phe (NM_001286257.2); short protein forms I302F, I263F, I116F.
Identifiers: ClinVar variation 1352442 (VCV001352442.8), dbSNP rs2136821866, ClinGen allele CA385410685.